The following is an entry in ClinVar:

ClinVar aggregate classification (germline): Conflicting classifications of pathogenicity. Review status: criteria provided, conflicting classifications (1 of 4 stars). 4 submissions from 4 submitters: Uncertain significance (1); Likely benign (3). Last evaluated 2025-04-28.

Conditions:
Cardiovascular phenotype. Identifiers: MedGen CN230736.
Hypertrophic cardiomyopathy. Also called: HYPERTROPHIC MYOCARDIOPATHY. Identifiers: Orphanet 217569, MedGen C0007194, MeSH D002312, MONDO:0005045, HP:0001639.

Allele frequency attached by ClinVar (database versions not stated): gnomAD exomes 0.00001.
gnomAD v4.1: 12 of 1,572,360 alleles (0.00076%); highest among the groups gnomAD compares: African/African-American, 0.0014%; no homozygotes.

Submissions (4):

Women's Health and Genetics/Laboratory Corporation of America, LabCorp
Classification: Likely benign. Last evaluated: 2025-04-28. Review status: criteria provided, single submitter. Criteria: LabCorp Variant Classification Summary - May 2015. Collection method: clinical testing. Allele origin: germline.

Labcorp Genetics (formerly Invitae), Labcorp
Classification: Likely benign for Hypertrophic cardiomyopathy. Last evaluated: 2025-03-27. Review status: criteria provided, single submitter. Criteria: Invitae Variant Classification Sherloc (09022015). Collection method: clinical testing. Allele origin: germline.

All of Us Research Program, National Institutes of Health
Classification: Likely benign for Hypertrophic cardiomyopathy. Last evaluated: 2022-12-07. Review status: criteria provided, single submitter. Criteria: ACMG Guidelines, 2015. Collection method: clinical testing. Allele origin: germline. Inheritance: Autosomal dominant inheritance. Observed: 1 variant allele, 1 heterozygote.
Comment: This study involves interpretation of variants in research participants for the purpose of population health screening. Participant phenotype was not available at the time of variant classification. Additional details can be found in publication PMID: 35346344, PMCID: PMC8962531

Ambry Genetics
Classification: Uncertain significance for Cardiovascular phenotype. Last evaluated: 2020-05-29. Review status: criteria provided, single submitter. Criteria: Ambry Variant Classification Scheme 2023. Collection method: clinical testing. Allele origin: germline.
Comment: The c.773-4C>A intronic variant results from a C to A substitution 4 nucleotides upstream from coding exon 7 in the MYBPC3 gene. This nucleotide position is not well conserved in available vertebrate species. Using the BDGP and ESEfinder splice site prediction tools, this alteration is not predicted to have any significant effect on this splice acceptor site; however, direct evidence is unavailable. Since supporting evidence is limited at this time, the clinical significance of this alteration remains unclear.

NM_000256.3(MYBPC3):c.773-4C>A

Gene: MYBPC3 (myosin binding protein C3; minus strand). Cytogenetic location: 11p11.2.
Variant type: single nucleotide variant.
Coding change: c.773-4C>A on transcript NM_000256.3 (MANE Select); 4 bases into the intron before coding-DNA position 773, C replaced by A.
Molecular consequence: intron variant.
Genome position (GRCh38, 1-based): chr11:47,347,909, G>T on the plus strand (C>A on the coding strand, the complement: MYBPC3 is on the minus strand). VCF-style: chr11-47347909-G-T. GRCh37 (hg19) VCF-style: chr11-47369460-G-T.
Identifiers: ClinVar variation 1760370 (VCV001760370.11), dbSNP rs2142865711, ClinGen allele CA2574815892.